The following is an entry in ClinVar:

ClinVar aggregate classification (germline): Uncertain significance (1 of 4 stars; one submission).

Conditions:
Hereditary pheochromocytoma and paraganglioma. Also called: Hereditary Paraganglioma-Pheochromocytoma Syndromes; Hereditary paragangliomas and pheochromocytomas; Hereditary pheochromocytoma-paraganglioma. Identifiers: Orphanet 29072, MedGen C4274332, MONDO:0017366.

Submission:

Labcorp Genetics (formerly Invitae), Labcorp
Classification: Uncertain significance for Hereditary pheochromocytoma and paraganglioma. Last evaluated: 2025-08-09. Review status: criteria provided, single submitter. Criteria: Invitae Variant Classification Sherloc (09022015). Collection method: clinical testing. Allele origin: germline.
Comment: This sequence change replaces tryptophan, which is neutral and slightly polar, with arginine, which is basic and polar, at codon 149 of the TMEM127 protein (p.Trp149Arg). This variant is not present in population databases (gnomAD no frequency). This variant has not been reported in the literature in individuals affected with TMEM127-related conditions. An algorithm developed to predict the effect of missense changes on protein structure and function (PolyPhen-2) suggests that this variant is likely to be disruptive. In summary, the available evidence is currently insufficient to determine the role of this variant in disease. Therefore, it has been classified as a Variant of Uncertain Significance.

NM_017849.4(TMEM127):c.445T>C (p.Trp149Arg)

Gene: TMEM127 (transmembrane protein 127; minus strand). Cytogenetic location: 2q11.2.
Variant type: single nucleotide variant.
Coding change: c.445T>C on transcript NM_017849.4 (MANE Select); coding-DNA position 445, T replaced by C.
Protein change: p.Trp149Arg; replaces tryptophan 149 with arginine.
Molecular consequence: missense variant.
Genome position (GRCh38, 1-based): chr2:96,254,080, A>G on the plus strand (T>C on the coding strand, the complement: TMEM127 is on the minus strand). VCF-style: chr2-96254080-A-G. GRCh37 (hg19) VCF-style: chr2-96919818-A-G.
Other names: c.445T>C, p.Trp149Arg (NM_001193304.3); c.193T>C, p.Trp65Arg (NM_001407282.1, NM_001407283.1); short protein forms W65R, W149R.
Identifiers: ClinVar variation 4776608 (VCV004776608.1).